The following is an entry in ClinVar:

NM_000540.3(RYR1):c.933C>T (p.Thr311=)

Gene: RYR1 (ryanodine receptor 1; plus strand). Cytogenetic location: 19q13.2.
Variant type: single nucleotide variant.
Coding change: c.933C>T on transcript NM_000540.3 (MANE Select); coding-DNA position 933, C replaced by T.
Protein change: p.Thr311=; no amino-acid change (threonine 311 retained).
Molecular consequence: synonymous variant.
Genome position (GRCh38, 1-based): chr19:38,448,487, C>T. VCF-style: chr19-38448487-C-T. GRCh37 (hg19) VCF-style: chr19-38939127-C-T.
Other names: c.933C>T, p.Thr311= (NM_001042723.2).
Identifiers: ClinVar variation 1085500 (VCV001085500.11), dbSNP rs1292560494, ClinGen allele CA507352493.

ClinVar aggregate classification (germline): Likely benign. Review status: criteria provided, multiple submitters, no conflicts (2 of 4 stars). 3 submissions from 3 submitters: Likely benign (3). Last evaluated 2025-10-07.

Conditions:
RYR1-related disorder. Also called: RYR1-related condition; RYR1-related disorders. Identifiers: MedGen CN239331.
Malignant hyperthermia, susceptibility to, 1 (MHS1). Also called: Anesthesia related hyperthermia; Malignant hyperpyrexia; Fulminating hyperpyrexia; Pharmacogenic myopathy; RYR1-Related Malignant Hyperthermia Susceptibility; Malignant hyperthermia suceptibility 1. Identifiers: Orphanet 423, MedGen C2930980, MONDO:0007783, OMIM 145600.

Allele frequency attached by ClinVar (database versions not stated): gnomAD exomes below 0.00001; TOPMed below 0.00001.
gnomAD v4.1: 7 of 1,614,096 alleles (0.00043%); highest among the groups gnomAD compares: African/African-American, 0.0013%; no homozygotes.

Submissions (3):

Labcorp Genetics (formerly Invitae), Labcorp
Classification: Likely benign for RYR1-related disorder. Last evaluated: 2025-10-07. Review status: criteria provided, single submitter. Criteria: Invitae Variant Classification Sherloc (09022015). Collection method: clinical testing. Allele origin: germline.

All of Us Research Program, National Institutes of Health
Classification: Likely benign for Malignant hyperthermia, susceptibility to, 1. Last evaluated: 2023-06-08. Review status: criteria provided, single submitter. Criteria: ACMG Guidelines, 2015. Collection method: clinical testing. Allele origin: germline. Inheritance: Autosomal dominant inheritance. Observed: 2 variant alleles, 2 heterozygotes.
Comment: This study involves interpretation of variants in research participants for the purpose of population health screening. Participant phenotype was not available at the time of variant classification. Additional details can be found in publication PMID: 35346344, PMCID: PMC8962531

Color Diagnostics, LLC DBA Color Health
Classification: Likely benign for Malignant hyperthermia, susceptibility to, 1. Last evaluated: 2022-11-06. Review status: criteria provided, single submitter. Criteria: ACMG Guidelines, 2015. Collection method: clinical testing. Allele origin: germline.